The following is an entry in ClinVar:

ClinVar aggregate classification (germline): Uncertain significance (1 of 4 stars; one submission).

gnomAD v4.1: 2 of 1,613,774 alleles (0.00012%); highest among the groups gnomAD compares: Non-Finnish European, 0.00017%; no homozygotes.

Submission:

Labcorp Genetics (formerly Invitae), Labcorp
Classification: Uncertain significance. Last evaluated: 2025-02-07. Review status: criteria provided, single submitter. Criteria: Invitae Variant Classification Sherloc (09022015). Collection method: clinical testing. Allele origin: germline.
Comment: This sequence change replaces alanine, which is neutral and non-polar, with glutamic acid, which is acidic and polar, at codon 44 of the SLC51B protein (p.Ala44Glu). This variant is not present in population databases (gnomAD no frequency). This variant has not been reported in the literature in individuals affected with SLC51B-related conditions. ClinVar contains an entry for this variant (Variation ID: 2038051). An algorithm developed to predict the effect of missense changes on protein structure and function (PolyPhen-2) suggests that this variant is likely to be tolerated. In summary, the available evidence is currently insufficient to determine the role of this variant in disease. Therefore, it has been classified as a Variant of Uncertain Significance.

NM_178859.4(SLC51B):c.131C>A (p.Ala44Glu)

Genes: RASL12 (RAS like family 12; minus strand), SLC51B (SLC51 subunit beta; plus strand). Cytogenetic location: 15q22.31.
Variant type: single nucleotide variant.
Coding change: c.131C>A on transcript NM_178859.4 (MANE Select); coding-DNA position 131, C replaced by A.
Protein change: p.Ala44Glu; replaces alanine 44 with glutamic acid.
Molecular consequence: missense variant.
Genome position (GRCh38, 1-based): chr15:65,051,548, C>A. VCF-style: chr15-65051548-C-A. GRCh37 (hg19) VCF-style: chr15-65343886-C-A.
Other names: short protein forms A44E.
Identifiers: ClinVar variation 2038051 (VCV002038051.4), dbSNP rs866314542, ClinGen allele CA392841978.
Genomic context (GRCh38, chr15:65,051,548, plus strand): 5'-GGCTCTGTCCTGTGTGTCCTTCCCCAGCATCTCCCTGGAATCATTCCATCCTTGCCCTGG[C>A]AGCTGTGGTGGTCATTATAAGCATGGTCCTCCTGGGAAGAAGCATCCAGGCAAGCAGGTG-3'
Protein context (NP_849190.2, residues 34-54): SPWNHSILAL[Ala44Glu]AVVVIISMVL